The following is an entry in ClinVar:

NM_003239.5(TGFB3):c.1143G>T (p.Gln381His)

Gene: TGFB3 (transforming growth factor beta 3; minus strand). Cytogenetic location: 14q24.3.
Variant type: single nucleotide variant.
Coding change: c.1143G>T on transcript NM_003239.5 (MANE Select); coding-DNA position 1143, G replaced by T.
Protein change: p.Gln381His; replaces glutamine 381 with histidine.
Molecular consequence: missense variant.
Genome position (GRCh38, 1-based): chr14:75,959,283, C>A on the plus strand (G>T on the coding strand, the complement: TGFB3 is on the minus strand). VCF-style: chr14-75959283-C-A. GRCh37 (hg19) VCF-style: chr14-76425626-C-A.
Other names: c.1143G>T (NM_003239.4); c.1143G>T, p.Gln381His (NM_001329939.2); short protein forms Q381H.
Identifiers: ClinVar variation 431837 (VCV000431837.8), dbSNP rs893375581, ClinGen allele CA263700548.

ClinVar aggregate classification (germline): Uncertain significance. Review status: criteria provided, multiple submitters, no conflicts (2 of 4 stars). 4 submissions from 4 submitters: Uncertain significance (4). Last evaluated 2026-03-02.

Conditions:
Familial thoracic aortic aneurysm and aortic dissection (TAAD). Also called: Thoracic aortic aneurysms and dissections. Identifiers: Orphanet 91387, MedGen C4707243, MONDO:0019625.
Rienhoff syndrome. Also called: LOEYS-DIETZ SYNDROME 5. Identifiers: MedGen C3810012, MONDO:0014262, OMIM 615582.

Allele frequency attached by ClinVar (database versions not stated): TOPMed below 0.00001; gnomAD exomes 0.00001.
gnomAD v4.1: 15 of 1,614,176 alleles (0.00093%); highest among the groups gnomAD compares: African/African-American, 0.0027%; no homozygotes.

Submissions (4):

Ambry Genetics
Classification: Uncertain significance for Familial thoracic aortic aneurysm and aortic dissection. Last evaluated: 2026-03-02. Review status: criteria provided, single submitter. Criteria: Ambry Variant Classification Scheme 2023. Collection method: clinical testing. Allele origin: germline.

Labcorp Genetics (formerly Invitae), Labcorp
Classification: Uncertain significance for Rienhoff syndrome. Last evaluated: 2025-02-12. Review status: criteria provided, single submitter. Criteria: Invitae Variant Classification Sherloc (09022015). Collection method: clinical testing. Allele origin: germline.
Comment: This sequence change replaces glutamine, which is neutral and polar, with histidine, which is basic and polar, at codon 381 of the TGFB3 protein (p.Gln381His). This variant is not present in population databases (gnomAD no frequency). This variant has not been reported in the literature in individuals affected with TGFB3-related conditions. ClinVar contains an entry for this variant (Variation ID: 431837). Invitae Evidence Modeling of protein sequence and biophysical properties (such as structural, functional, and spatial information, amino acid conservation, physicochemical variation, residue mobility, and thermodynamic stability) indicates that this missense variant is not expected to disrupt TGFB3 protein function with a negative predictive value of 80%. In summary, the available evidence is currently insufficient to determine the role of this variant in disease. Therefore, it has been classified as a Variant of Uncertain Significance.

GeneDx
Classification: Uncertain significance. Last evaluated: 2024-09-03. Review status: criteria provided, single submitter. Criteria: GeneDx Variant Classification Process June 2021. Collection method: clinical testing. Allele origin: germline. Affected: yes.
Comment: Has not been previously published as pathogenic or benign to our knowledge; Not observed at significant frequency in large population cohorts (gnomAD); In silico analysis supports that this missense variant has a deleterious effect on protein structure/function

CHEO Genetics Diagnostic Laboratory, Children's Hospital of Eastern Ontario
Classification: Uncertain significance for Familial thoracic aortic aneurysm and aortic dissection. Last evaluated: 2021-06-10. Review status: criteria provided, single submitter. Criteria: ACMG Guidelines, 2015. Collection method: clinical testing. Allele origin: germline.